The following is an entry in ClinVar:

NM_020975.6(RET):c.2981A>G (p.Lys994Arg)

Gene: RET (ret proto-oncogene; plus strand). Cytogenetic location: 10q11.21.
Variant type: single nucleotide variant.
Coding change: c.2981A>G on transcript NM_020975.6 (MANE Select); coding-DNA position 2981, A replaced by G.
Protein change: p.Lys994Arg; replaces lysine 994 with arginine.
Molecular consequence: missense variant.
Genome position (GRCh38, 1-based): chr10:43,124,924, A>G. VCF-style: chr10-43124924-A-G. GRCh37 (hg19) VCF-style: chr10-43620372-A-G.
Other names: c.2981A>G, p.Lys994Arg (NM_000323.2, NM_001406743.1, NM_001406744.1 and 4 more transcripts); c.2219A>G, p.Lys740Arg (NM_001355216.2); c.2852A>G, p.Lys951Arg (NM_001406761.1, NM_001406762.1, NM_001406764.1); c.2846A>G, p.Lys949Arg (NM_001406763.1, NM_001406765.1); c.2693A>G, p.Lys898Arg (NM_001406766.1, NM_001406767.1, NM_001406770.1); c.2717A>G, p.Lys906Arg (NM_001406768.1); c.2585A>G, p.Lys862Arg (NM_001406769.1, NM_001406772.1); c.2543A>G, p.Lys848Arg (NM_001406771.1, NM_001406773.1); and 10 more; short protein forms K511R, K655R, K848R, K862R, K949R, K951R, K559R, K650R.
Identifiers: ClinVar variation 2587889 (VCV002587889.2), dbSNP rs2538626726, ClinGen allele CA376558120.
Genomic context (GRCh38, chr10:43,124,924, plus strand): 5'-TGTCTGCTCTTCCCACCAGGTACCGCCTGATGCTGCAATGCTGGAAGCAGGAGCCGGACA[A>G]AAGGCCGGTGTTTGCGGACATCAGCAAAGACCTGGAGAAGATGATGGTTAAGAGGAGAGT-3'
Protein context (NP_066124.1, residues 984-1004): MLQCWKQEPD[Lys994Arg]RPVFADISKD

ClinVar aggregate classification (germline): Uncertain significance (1 of 4 stars; one submission).

Conditions:
Hereditary cancer-predisposing syndrome. Also called: Tumor predisposition; Hereditary Cancer Syndrome; Hereditary neoplastic syndrome; Neoplastic Syndromes, Hereditary. Identifiers: Orphanet 140162, MedGen C0027672, MeSH D009386, MONDO:0015356.

Submission:

Ambry Genetics
Classification: Uncertain significance for Hereditary cancer-predisposing syndrome. Last evaluated: 2023-08-03. Review status: criteria provided, single submitter. Criteria: Ambry Variant Classification Scheme 2023. Collection method: clinical testing. Allele origin: germline.
Comment: The p.K994R variant (also known as c.2981A>G), located in coding exon 18 of the RET gene, results from an A to G substitution at nucleotide position 2981. The lysine at codon 994 is replaced by arginine, an amino acid with highly similar properties. This amino acid position is conserved. In addition, the in silico prediction for this alteration is inconclusive. Since supporting evidence is limited at this time, the clinical significance of this alteration remains unclear.